The following is an entry in ClinVar:

ClinVar aggregate classification (germline): Uncertain significance (1 of 4 stars; one submission).

Conditions:
Cryptosporidiosis-chronic cholangitis-liver disease syndrome. Also called: Immunodeficiency type 56; IL21R immunodeficiency. Identifiers: Orphanet 357329, MedGen C3554687, MONDO:0014082, OMIM 615207.

gnomAD v4.1: 9 of 1,613,948 alleles (0.00056%); highest among the groups gnomAD compares: South Asian, 0.0099%; no homozygotes.

Submission:

Labcorp Genetics (formerly Invitae), Labcorp
Classification: Uncertain significance for Cryptosporidiosis-chronic cholangitis-liver disease syndrome. Last evaluated: 2025-11-24. Review status: criteria provided, single submitter. Criteria: Invitae Variant Classification Sherloc (09022015). Collection method: clinical testing. Allele origin: germline.
Comment: This sequence change replaces alanine, which is neutral and non-polar, with glycine, which is neutral and non-polar, at codon 146 of the IL21R protein (p.Ala146Gly). This variant is present in population databases (rs774265226, gnomAD 0.01%). This variant has not been reported in the literature in individuals affected with IL21R-related conditions. ClinVar contains an entry for this variant (Variation ID: 657356). An algorithm developed to predict the effect of missense changes on protein structure and function outputs the following: PolyPhen-2: "Benign". The glycine amino acid residue is found in multiple mammalian species, which suggests that this missense change does not adversely affect protein function. In summary, the available evidence is currently insufficient to determine the role of this variant in disease. Therefore, it has been classified as a Variant of Uncertain Significance.

NM_181078.3(IL21R):c.437C>G (p.Ala146Gly)

Gene: IL21R (interleukin 21 receptor; plus strand). Cytogenetic location: 16p12.1.
Variant type: single nucleotide variant.
Coding change: c.437C>G on transcript NM_181078.3 (MANE Select); coding-DNA position 437, C replaced by G.
Protein change: p.Ala146Gly; replaces alanine 146 with glycine.
Molecular consequence: missense variant.
Genome position (GRCh38, 1-based): chr16:27,443,046, C>G. VCF-style: chr16-27443046-C-G. GRCh37 (hg19) VCF-style: chr16-27454367-C-G.
Other names: c.437C>G, p.Ala146Gly (NM_021798.4); c.503C>G, p.Ala168Gly (NM_181079.5); short protein forms A146G, A168G.
Identifiers: ClinVar variation 657356 (VCV000657356.7), dbSNP rs774265226, ClinGen allele CA7974972.
Genomic context (GRCh38, chr16:27,443,046, plus strand): 5'-TGACTGTGACCTTCTCAGGACAGTATAATATCTCCTGGCGCTCAGATTACGAAGACCCTG[C>G]CTTCTACATGCTGAAGGGCAAGCTTCAGTATGAGCTGCAGTACAGGAACCGGGGAGACCC-3'
Protein context (NP_851564.1, residues 136-156): ISWRSDYEDP[Ala146Gly]FYMLKGKLQY